The following is an entry in ClinVar:

NM_001034853.2(RPGR):c.619+5G>C

Gene: RPGR (retinitis pigmentosa GTPase regulator; minus strand). Cytogenetic location: Xp11.4.
Variant type: single nucleotide variant.
Coding change: c.619+5G>C on transcript NM_001034853.2 (MANE Select); 5 bases into the intron after coding-DNA position 619, G replaced by C.
Molecular consequence: intron variant.
Genome position (GRCh38, 1-based): chrX:38,317,311, C>G on the plus strand (G>C on the coding strand, the complement: RPGR is on the minus strand). VCF-style: chrX-38317311-C-G. GRCh37 (hg19) VCF-style: chrX-38176564-C-G.
Other names: c.616+5G>C (NM_001367249.1); c.619+5G>C (NM_001367250.1, NM_001367245.1, NM_001367251.1 and 3 more transcripts); c.649+5G>C (NM_001367248.1).
Identifiers: ClinVar variation 1802315 (VCV001802315.5), dbSNP rs62638649, ClinGen allele CA2580100809.
Genomic context (GRCh38, chrX:38,317,311, plus strand): 5'-TCATTATTAATTTAATAACAACATAGAAGTGGGAGATAACATGATGACTTCAAAATGTGT[C>G]TTACTTGTTACAAAAGCTGAATGGTAATATCCACAAGAGATCCAGGAGACAGGTTTCCCA-3'

ClinVar aggregate classification (germline): Conflicting classifications of pathogenicity. Review status: criteria provided, conflicting classifications (1 of 4 stars). 2 submissions from 2 submitters: Likely pathogenic (1); Uncertain significance (1). Last evaluated 2023-07-19.

Conditions:
Primary ciliary dyskinesia. Also called: Ciliary dyskinesia. Identifiers: Orphanet 244, MedGen C0008780, MONDO:0016575, HP:0012265.

Submissions (2):

Labcorp Genetics (formerly Invitae), Labcorp
Classification: Uncertain significance for Primary ciliary dyskinesia. Last evaluated: 2023-07-19. Review status: criteria provided, single submitter. Criteria: Invitae Variant Classification Sherloc (09022015). Collection method: clinical testing. Allele origin: germline.
Comment: This variant has not been reported in the literature in individuals affected with RPGR-related conditions. In summary, the available evidence is currently insufficient to determine the role of this variant in disease. Therefore, it has been classified as a Variant of Uncertain Significance. Variants that disrupt the consensus splice site are a relatively common cause of aberrant splicing (PMID: 17576681, 9536098). Algorithms developed to predict the effect of sequence changes on RNA splicing suggest that this variant may disrupt the consensus splice site. ClinVar contains an entry for this variant (Variation ID: 1802315). This variant is not present in population databases (gnomAD no frequency). This sequence change falls in intron 6 of the RPGR gene. It does not directly change the encoded amino acid sequence of the RPGR protein. It affects a nucleotide within the consensus splice site.

PreventionGenetics, part of Exact Sciences
Classification: Likely pathogenic. Last evaluated: 2020-04-17. Review status: criteria provided, single submitter. Criteria: ACMG Guidelines, 2015. Collection method: clinical testing. Allele origin: germline.

Literature cited by the submitters: PubMed 17576681 (cited by Labcorp Genetics (formerly Invitae), Labcorp); PubMed 9536098 (cited by Labcorp Genetics (formerly Invitae), Labcorp).